The following is an entry in ClinVar:

ClinVar aggregate classification (germline): Uncertain significance. Review status: criteria provided, multiple submitters, no conflicts (2 of 4 stars). 4 submissions from 4 submitters: Uncertain significance (4). Last evaluated 2025-09-28.

Conditions:
Primary ciliary dyskinesia 23 (CILD23). Also called: CILIARY DYSKINESIA, PRIMARY, 23, WITH OR WITHOUT SITUS INVERSUS. Identifiers: Orphanet 244, MedGen C3809548, MONDO:0014193, OMIM 615451.
Primary ciliary dyskinesia. Also called: Ciliary dyskinesia. Identifiers: Orphanet 244, MedGen C0008780, MONDO:0016575, HP:0012265.

Allele frequency attached by ClinVar (database versions not stated): gnomAD 0.00008 and 0.00011; gnomAD exomes 0.00009 and 0.00014; ExAC 0.00013; TOPMed 0.00015; ESP Exome Variant Server 0.00031.
gnomAD v4.1: 230 of 1,611,194 alleles (0.014%); highest among the groups gnomAD compares: Non-Finnish European, 0.017%; no homozygotes.

Submissions (4):

Ambry Genetics
Classification: Uncertain significance for Primary ciliary dyskinesia. Last evaluated: 2025-09-28. Review status: criteria provided, single submitter. Criteria: Ambry Variant Classification Scheme 2023. Collection method: clinical testing. Allele origin: germline.

Blueprint Genetics
Classification: Uncertain significance. Last evaluated: 2024-09-12. Review status: criteria provided, single submitter. Criteria: ACMG Guidelines, 2015. Collection method: clinical testing. Allele origin: germline.

Labcorp Genetics (formerly Invitae), Labcorp
Classification: Uncertain significance for Primary ciliary dyskinesia 23. Last evaluated: 2022-06-18. Review status: criteria provided, single submitter. Criteria: Invitae Variant Classification Sherloc (09022015). Collection method: clinical testing. Allele origin: germline.
Comment: This sequence change replaces arginine, which is basic and polar, with glutamine, which is neutral and polar, at codon 707 of the ARMC4 protein (p.Arg707Gln). This variant is present in population databases (rs139517333, gnomAD 0.02%). This variant has not been reported in the literature in individuals affected with ARMC4-related conditions. Algorithms developed to predict the effect of missense changes on protein structure and function are either unavailable or do not agree on the potential impact of this missense change (SIFT: "Deleterious"; PolyPhen-2: "Probably Damaging"; Align-GVGD: "Class C0"). In summary, the available evidence is currently insufficient to determine the role of this variant in disease. Therefore, it has been classified as a Variant of Uncertain Significance.

Genetics and Molecular Pathology, SA Pathology
Classification: Uncertain significance for Primary ciliary dyskinesia 23. Last evaluated: 2020-09-29. Review status: criteria provided, single submitter. Criteria: ACMG Guidelines, 2015. Collection method: clinical testing. Allele origin: germline. Inheritance: Autosomal recessive inheritance. Affected: yes.

NM_018076.5(ODAD2):c.2120G>A (p.Arg707Gln)

Gene: ODAD2 (outer dynein arm docking complex subunit 2; minus strand). Cytogenetic location: 10p12.1.
Variant type: single nucleotide variant.
Coding change: c.2120G>A on transcript NM_018076.5 (MANE Select); coding-DNA position 2120, G replaced by A.
Protein change: p.Arg707Gln; replaces arginine 707 with glutamine.
Molecular consequence: missense variant.
Genome position (GRCh38, 1-based): chr10:27,936,858, C>T on the plus strand (G>A on the coding strand, the complement: ODAD2 is on the minus strand). VCF-style: chr10-27936858-C-T. GRCh37 (hg19) VCF-style: chr10-28225787-C-T.
Other names: c.2120G>A, p.Arg707Gln (NM_001290020.2); c.695G>A, p.Arg232Gln (NM_001290021.2); c.1196G>A, p.Arg399Gln (NM_001312689.2); c.2120G>A (NM_018076.2); short protein forms R232Q, R399Q, R707Q.
Identifiers: ClinVar variation 1681357 (VCV001681357.8), dbSNP rs139517333, ClinGen allele CA5453295.